The following is an entry in ClinVar:

ClinVar aggregate classification (germline): Uncertain significance (3 of 4 stars; one submission).

Conditions:
Monogenic diabetes. Identifiers: Orphanet 183625, MedGen C3888631, MONDO:0015967.

Allele frequency attached by ClinVar (database versions not stated): gnomAD exomes below 0.00001.

Submission:

ClinGen Monogenic Diabetes Variant Curation Expert Panel
Classification: Uncertain significance for Monogenic diabetes. Last evaluated: 2023-05-27. Review status: reviewed by expert panel. Criteria: MDEP HNF4A Specificiations 1.0.0. Collection method: curation. Allele origin: germline. Inheritance: Autosomal dominant inheritance.
Comment: The c.1306A>T variant in the hepatocyte nuclear factor-4-alpha gene, HNF4A, results in a premature termination at codon 436 (p.(Lys436Ter)) of NM_175914.4. This nonsense variant, located 3’ of codon 420 in exon 10 of 10, is not predicted to result in nonsense mediated decay of the transcript nor significantly disrupt the transactivation domain of the protein. There is insufficient clinical evidence that variants in this region lead to a monogenic diabetes phenotype. (PVS1_Supporting). This variant is absent from gnomAD v2.1.1 (PM2_Supporting). In summary, c.1306A>T meets the criteria to be classified as a variant of uncertain significance for monogenic diabetes. ACMG/AMP criteria applied, as specified by the ClinGen MDEP specification version 1.0.0, approved 11/16/2022): PVS1_Supporting, PM2_Supporting.

NM_175914.5(HNF4A):c.1306A>T (p.Lys436Ter)

Gene: HNF4A (hepatocyte nuclear factor 4 alpha; plus strand). Cytogenetic location: 20q13.12.
Variant type: single nucleotide variant.
Coding change: c.1306A>T on transcript NM_175914.5 (MANE Select); coding-DNA position 1306, A replaced by T.
Protein change: p.Lys436Ter; replaces lysine 436 with a stop codon.
Molecular consequence: nonsense.
Genome position (GRCh38, 1-based): chr20:44,429,612, A>T. VCF-style: chr20-44429612-A-T. GRCh37 (hg19) VCF-style: chr20-43058252-A-T.
Other names: NM_175914.5:c.1306A>T; c.1372A>T, p.Lys458Ter (NM_000457.6); c.1276A>T, p.Lys426Ter (NM_001030003.3); c.1351A>T, p.Lys451Ter (NM_001258355.2); c.1267A>T, p.Lys423Ter (NM_001287182.2); c.1297A>T, p.Lys433Ter (NM_001287183.2); c.1342A>T, p.Lys448Ter (NM_178849.3); short protein forms K423*, K426*, K433*, K436*, K448*, K451*, K458*.
Identifiers: ClinVar variation 2505492 (VCV002505492.1), dbSNP rs1328420041, ClinGen allele CA409110466.